The following is an entry in ClinVar:

ClinVar aggregate classification (germline): Uncertain significance (1 of 4 stars; one submission).

Conditions:
Inflammatory bowel disease 28. Also called: Inflammatory bowel disease 28, early onset, autosomal recessive. Identifiers: Orphanet 238569, MedGen C2751053, MONDO:0013153, OMIM 613148.

Allele frequency attached by ClinVar (database versions not stated): gnomAD below 0.00001 and 0.00002; gnomAD exomes 0.00003 and 0.00006; ExAC 0.00007; 1000 Genomes Project 0.00020; 1000 Genomes Project 30x 0.00031.

Submission:

Labcorp Genetics (formerly Invitae), Labcorp
Classification: Uncertain significance for Inflammatory bowel disease 28. Last evaluated: 2022-07-14. Review status: criteria provided, single submitter. Criteria: Invitae Variant Classification Sherloc (09022015). Collection method: clinical testing. Allele origin: germline.
Comment: This sequence change replaces threonine, which is neutral and polar, with alanine, which is neutral and non-polar, at codon 234 of the IL10RA protein (p.Thr234Ala). In summary, the available evidence is currently insufficient to determine the role of this variant in disease. Therefore, it has been classified as a Variant of Uncertain Significance. Algorithms developed to predict the effect of missense changes on protein structure and function are either unavailable or do not agree on the potential impact of this missense change (SIFT: "Tolerated"; PolyPhen-2: "Possibly Damaging"; Align-GVGD: "Class C0"). ClinVar contains an entry for this variant (Variation ID: 1009648). This variant has not been reported in the literature in individuals affected with IL10RA-related conditions. This variant is present in population databases (rs551546135, gnomAD 0.05%).

NM_001558.4(IL10RA):c.700A>G (p.Thr234Ala)

Gene: IL10RA (interleukin 10 receptor subunit alpha; plus strand). Cytogenetic location: 11q23.3.
Variant type: single nucleotide variant.
Coding change: c.700A>G on transcript NM_001558.4 (MANE Select); coding-DNA position 700, A replaced by G.
Protein change: p.Thr234Ala; replaces threonine 234 with alanine.
Molecular consequence: missense variant. On other transcripts: non-coding transcript variant (1).
Genome position (GRCh38, 1-based): chr11:117,995,600, A>G. VCF-style: chr11-117995600-A-G. GRCh37 (hg19) VCF-style: chr11-117866315-A-G.
Other names: short protein forms T234A.
Identifiers: ClinVar variation 1009648 (VCV001009648.7), dbSNP rs551546135, ClinGen allele CA6299033.